The following is an entry in ClinVar:

ClinVar aggregate classification (germline): Uncertain significance (0 of 4 stars; one submission).

Conditions:
ITGA2-related disorder. Also called: ITGA2-related condition.

gnomAD v4.1: 40 of 1,612,958 alleles (0.0025%); highest among the groups gnomAD compares: South Asian, 0.042%; 1 homozygote.

Submission:

PreventionGenetics, part of Exact Sciences
Classification: Uncertain significance for ITGA2-related condition. Last evaluated: 2024-04-25. Review status: no assertion criteria provided. Collection method: clinical testing. Allele origin: germline.
Comment: The ITGA2 c.3217G>A variant is predicted to result in the amino acid substitution p.Val1073Ile. To our knowledge, this variant has not been reported in the literature. This variant is reported in 0.036% of alleles in individuals of South Asian descent in gnomAD. At this time, the clinical significance of this variant is uncertain due to the absence of conclusive functional and genetic evidence.

NM_002203.4(ITGA2):c.3217G>A (p.Val1073Ile)

Gene: ITGA2 (integrin subunit alpha 2; plus strand). Cytogenetic location: 5q11.2.
Variant type: single nucleotide variant.
Coding change: c.3217G>A on transcript NM_002203.4 (MANE Select); coding-DNA position 3217, G replaced by A.
Protein change: p.Val1073Ile; replaces valine 1073 with isoleucine.
Molecular consequence: missense variant. On other transcripts: non-coding transcript variant (5).
Genome position (GRCh38, 1-based): chr5:53,083,412, G>A. VCF-style: chr5-53083412-G-A. GRCh37 (hg19) VCF-style: chr5-52379242-G-A.
Other names: short protein forms V1073I.
Identifiers: ClinVar variation 3355287 (VCV003355287.1).